The following is an entry in ClinVar:

NM_006612.6(KIF1C):c.1062C>G (p.Ile354Met)

Gene: KIF1C (kinesin family member 1C; plus strand). Cytogenetic location: 17p13.2.
Variant type: single nucleotide variant.
Coding change: c.1062C>G on transcript NM_006612.6 (MANE Select); coding-DNA position 1062, C replaced by G.
Protein change: p.Ile354Met; replaces isoleucine 354 with methionine.
Molecular consequence: missense variant.
Genome position (GRCh38, 1-based): chr17:5,004,897, C>G. VCF-style: chr17-5004897-C-G. GRCh37 (hg19) VCF-style: chr17-4908192-C-G.
Other names: short protein forms I354M.
Identifiers: ClinVar variation 1940808 (VCV001940808.5), dbSNP rs2508153286, ClinGen allele CA397347965.

ClinVar aggregate classification (germline): Uncertain significance (1 of 4 stars; one submission).

Conditions:
Spastic ataxia 2. Also called: Ataxia, spastic, 2, autosomal recessive. Identifiers: Orphanet 397946, MedGen C1969796, MONDO:0012651, OMIM 611302.

Submission:

Labcorp Genetics (formerly Invitae), Labcorp
Classification: Uncertain significance for Spastic ataxia 2. Last evaluated: 2022-05-31. Review status: criteria provided, single submitter. Criteria: Invitae Variant Classification Sherloc (09022015). Collection method: clinical testing. Allele origin: germline.
Comment: This sequence change replaces isoleucine, which is neutral and non-polar, with methionine, which is neutral and non-polar, at codon 354 of the KIF1C protein (p.Ile354Met). This variant is not present in population databases (gnomAD no frequency). This variant has not been reported in the literature in individuals affected with KIF1C-related conditions. Algorithms developed to predict the effect of missense changes on protein structure and function are either unavailable or do not agree on the potential impact of this missense change (SIFT: "Deleterious"; PolyPhen-2: "Benign"; Align-GVGD: "Class C0"). In summary, the available evidence is currently insufficient to determine the role of this variant in disease. Therefore, it has been classified as a Variant of Uncertain Significance.